The following is an entry in ClinVar:

NM_004311.4(ARL3):c.315+2T>G

Gene: ARL3 (ARF like GTPase 3; minus strand). Cytogenetic location: 10q24.32.
Variant type: single nucleotide variant.
Coding change: c.315+2T>G on transcript NM_004311.4 (MANE Select); the canonical splice donor site of the intron after coding-DNA position 315, T replaced by G.
Molecular consequence: splice donor variant.
Genome position (GRCh38, 1-based): chr10:102,689,891, A>C on the plus strand (T>G on the coding strand, the complement: ARL3 is on the minus strand). VCF-style: chr10-102689891-A-C. GRCh37 (hg19) VCF-style: chr10-104449648-A-C.
Identifiers: ClinVar variation 4712749 (VCV004712749.1).

ClinVar aggregate classification (germline): Uncertain significance (1 of 4 stars; one submission).

Submission:

Labcorp Genetics (formerly Invitae), Labcorp
Classification: Uncertain significance. Last evaluated: 2025-02-10. Review status: criteria provided, single submitter. Criteria: Invitae Variant Classification Sherloc (09022015). Collection method: clinical testing. Allele origin: germline.
Comment: This sequence change affects a donor splice site in intron 4 of the ARL3 gene. It is expected to disrupt RNA splicing. Variants that disrupt the donor or acceptor splice site typically lead to a loss of protein function (PMID: 16199547), however the current clinical and genetic evidence is not sufficient to establish whether loss-of-function variants in ARL3 cause disease. This variant is not present in population databases (gnomAD no frequency). This variant has not been reported in the literature in individuals affected with ARL3-related conditions. Algorithms developed to predict the effect of sequence changes on RNA splicing suggest that this variant may disrupt the consensus splice site. In summary, the available evidence is currently insufficient to determine the role of this variant in disease. Therefore, it has been classified as a Variant of Uncertain Significance.

Literature cited by the submitters: PubMed 16199547.